The following is an entry in ClinVar:

NM_001348716.2(KDM6B):c.982C>T (p.Arg328Trp)

Gene: KDM6B (lysine demethylase 6B; plus strand). Cytogenetic location: 17p13.1.
Variant type: single nucleotide variant.
Coding change: c.982C>T on transcript NM_001348716.2 (MANE Select); coding-DNA position 982, C replaced by T.
Protein change: p.Arg328Trp; replaces arginine 328 with tryptophan.
Molecular consequence: missense variant.
Genome position (GRCh38, 1-based): chr17:7,847,177, C>T. VCF-style: chr17-7847177-C-T. GRCh37 (hg19) VCF-style: chr17-7750495-C-T.
Other names: c.982C>T, p.Arg328Trp (NM_001080424.2); short protein forms R328W.
Identifiers: ClinVar variation 2209957 (VCV002209957.6), dbSNP rs201121189, ClinGen allele CA8360469.

ClinVar aggregate classification (germline): Likely benign. Review status: criteria provided, multiple submitters, no conflicts (2 of 4 stars). 2 submissions from 2 submitters: Likely benign (2). Last evaluated 2026-02-01.

Conditions:
Inborn genetic diseases. Identifiers: MedGen C0950123, MeSH D030342.

Allele frequency attached by ClinVar (database versions not stated): ExAC 0.00013; 1000 Genomes Project 30x 0.00016; gnomAD 0.00025; TOPMed 0.00025; ESP Exome Variant Server 0.00047.
gnomAD v4.1: 425 of 1,603,808 alleles (0.026%); highest among the groups gnomAD compares: Non-Finnish European, 0.034%; no homozygotes.

Submissions (2):

CeGaT Center for Human Genetics Tuebingen
Classification: Likely benign. Last evaluated: 2026-02-01. Review status: criteria provided, single submitter. Criteria: CeGaT Center For Human Genetics Tuebingen Variant Classification Criteria Version 2. Collection method: clinical testing. Allele origin: germline. Affected: yes. Observed: 1 variant allele.
Comment: KDM6B: BS2

Ambry Genetics
Classification: Likely benign for Inborn genetic diseases. Last evaluated: 2021-10-07. Review status: criteria provided, single submitter. Criteria: Ambry Variant Classification Scheme 2023. Collection method: clinical testing. Allele origin: germline.